The following is an entry in ClinVar:

NM_001283009.2(RTEL1):c.1118T>C (p.Ile373Thr)

Genes: RTEL1 (regulator of telomere elongation helicase 1; plus strand), RTEL1-TNFRSF6B (RTEL1-TNFRSF6B readthrough (NMD candidate); plus strand). Cytogenetic location: 20q13.33.
Variant type: single nucleotide variant.
Coding change: c.1118T>C on transcript NM_001283009.2 (MANE Select); coding-DNA position 1118, T replaced by C.
Protein change: p.Ile373Thr; replaces isoleucine 373 with threonine.
Molecular consequence: missense variant. On other transcripts: non-coding transcript variant (1).
Genome position (GRCh38, 1-based): chr20:63,679,929, T>C. VCF-style: chr20-63679929-T-C. GRCh37 (hg19) VCF-style: chr20-62311282-T-C.
Other names: c.449T>C, p.Ile150Thr (NM_001283010.1); c.1118T>C, p.Ile373Thr (NM_016434.4); c.1190T>C, p.Ile397Thr (NM_032957.5); short protein forms I150T, I373T, I397T.
Identifiers: ClinVar variation 4863579 (VCV004863579.1).

ClinVar aggregate classification (germline): Uncertain significance (1 of 4 stars; one submission).

Conditions:
Inborn genetic diseases. Identifiers: MedGen C0950123, MeSH D030342.

Submission:

Ambry Genetics
Classification: Uncertain significance for Inborn genetic diseases. Last evaluated: 2026-04-30. Review status: criteria provided, single submitter. Criteria: Ambry Variant Classification Scheme 2023. Collection method: clinical testing. Allele origin: germline.
Comment: The p.I373T variant (also known as c.1118T>C), located in coding exon 12 of the RTEL1 gene, results from a T to C substitution at nucleotide position 1118. The isoleucine at codon 373 is replaced by threonine, an amino acid with similar properties. This amino acid position is conserved. In addition, the in silico prediction for this alteration is inconclusive. Based on the available evidence, the clinical significance of this variant remains unclear.